The following is an entry in ClinVar:

NM_000186.4(CFH):c.3545G>T (p.Arg1182Met)

Gene: CFH (complement factor H; plus strand). Cytogenetic location: 1q31.3.
Variant type: single nucleotide variant.
Coding change: c.3545G>T on transcript NM_000186.4 (MANE Select); coding-DNA position 3545, G replaced by T.
Protein change: p.Arg1182Met; replaces arginine 1182 with methionine.
Molecular consequence: missense variant.
Genome position (GRCh38, 1-based): chr1:196,747,162, G>T. VCF-style: chr1-196747162-G-T. GRCh37 (hg19) VCF-style: chr1-196716292-G-T.
Other names: short protein forms R1182M.
Identifiers: ClinVar variation 4291598 (VCV004291598.1).

ClinVar aggregate classification (germline): Uncertain significance (1 of 4 stars; one submission).

Conditions:
Atypical hemolytic-uremic syndrome. Identifiers: Orphanet 2134, MedGen C2931788, MONDO:0016244.

Submission:

Genomenon, Inc
Classification: Uncertain significance for Atypical hemolytic-uremic syndrome. Last evaluated: 2025-10-02. Review status: criteria provided, single submitter. Criteria: Genomenon Sequence Variant Interpretation Standards - Updated. Collection method: curation. Allele origin: germline. Affected: yes.
Comment: CFH p.Arg1182Met (c.3545G>T) is a missense variant that changes the amino acid at residue 1182 from Arginine to Methionine. This variant has been observed in at least one proband affected with atypical hemolytic-uremic syndrome (PMID:36421183). It is absent or not present at a significant frequency in gnomAD. In conclusion, we classify CFH p.Arg1182Met (c.3545G>T) as a variant of uncertain significance.

Literature cited by the submitters: PubMed 36421183.